The following is an entry in ClinVar:

NM_032130.3(FAM186B):c.1607A>G (p.Gln536Arg)

Gene: FAM186B (family with sequence similarity 186 member B; minus strand). Cytogenetic location: 12q13.12.
Variant type: single nucleotide variant.
Coding change: c.1607A>G on transcript NM_032130.3 (MANE Select); coding-DNA position 1607, A replaced by G.
Protein change: p.Gln536Arg; replaces glutamine 536 with arginine.
Molecular consequence: missense variant. On other transcripts: non-coding transcript variant (1).
Genome position (GRCh38, 1-based): chr12:49,600,033, T>C on the plus strand (A>G on the coding strand, the complement: FAM186B is on the minus strand). VCF-style: chr12-49600033-T-C. GRCh37 (hg19) VCF-style: chr12-49993816-T-C.
Other names: short protein forms Q536R.
Identifiers: ClinVar variation 1989019 (VCV001989019.4), dbSNP rs150140309, ClinGen allele CA6554657.
Genomic context (GRCh38, chr12:49,600,033, plus strand): 5'-TCCACATCCTCCCCTAGCTGCTCTGGCTCTCTCCGTGGGCTCTCCTGCTCCTTTTCTAGC[T>C]GGACCCATCTCCGCTGTTGCTCCCTGGCCAGGTCTTCCAGATTCCACTGCCGCAGCTTCT-3'
Protein context (NP_115506.1, residues 526-546): LAREQQRRWV[Gln536Arg]LEKEQESPRR

ClinVar aggregate classification (germline): Uncertain significance (1 of 4 stars; one submission).

Allele frequency attached by ClinVar (database versions not stated): gnomAD 0.00005; TOPMed 0.00006; 1000 Genomes Project 30x 0.00016; 1000 Genomes Project 0.00020; ESP Exome Variant Server 0.00023.
gnomAD v4.1: 104 of 1,607,528 alleles (0.0065%); highest among the groups gnomAD compares: Non-Finnish European, 0.0085%; no homozygotes.

Submission:

Labcorp Genetics (formerly Invitae), Labcorp
Classification: Uncertain significance. Last evaluated: 2022-08-30. Review status: criteria provided, single submitter. Criteria: Invitae Variant Classification Sherloc (09022015). Collection method: clinical testing. Allele origin: germline.
Comment: In summary, the available evidence is currently insufficient to determine the role of this variant in disease. Therefore, it has been classified as a Variant of Uncertain Significance. Algorithms developed to predict the effect of missense changes on protein structure and function are either unavailable or do not agree on the potential impact of this missense change (SIFT: "Not Available"; PolyPhen-2: "Possibly Damaging"; Align-GVGD: "Not Available"). This variant has not been reported in the literature in individuals affected with FAM186B-related conditions. This variant is present in population databases (rs150140309, gnomAD 0.003%). This sequence change replaces glutamine, which is neutral and polar, with arginine, which is basic and polar, at codon 536 of the FAM186B protein (p.Gln536Arg).